The following is an entry in ClinVar:

ClinVar aggregate classification (germline): Uncertain significance (1 of 4 stars; one submission).

Conditions:
Spastic paraplegia. Identifiers: MedGen C0037772, HP:0001258.

Allele frequency attached by ClinVar (database versions not stated): TOPMed below 0.00001; gnomAD 0.00001.
gnomAD v4.1: 2 of 1,478,530 alleles (0.00014%); highest among the groups gnomAD compares: South Asian, 0.0024%; no homozygotes.

Submission:

Labcorp Genetics (formerly Invitae), Labcorp
Classification: Uncertain significance for Spastic paraplegia. Last evaluated: 2022-11-10. Review status: criteria provided, single submitter. Criteria: Invitae Variant Classification Sherloc (09022015). Collection method: clinical testing. Allele origin: germline.
Comment: This sequence change replaces alanine, which is neutral and non-polar, with valine, which is neutral and non-polar, at codon 113 of the GJC2 protein (p.Ala113Val). This variant is not present in population databases (gnomAD no frequency). This variant has not been reported in the literature in individuals affected with GJC2-related conditions. Algorithms developed to predict the effect of missense changes on protein structure and function (SIFT, PolyPhen-2, Align-GVGD) all suggest that this variant is likely to be tolerated. In summary, the available evidence is currently insufficient to determine the role of this variant in disease. Therefore, it has been classified as a Variant of Uncertain Significance.

NM_020435.4(GJC2):c.338C>T (p.Ala113Val)

Gene: GJC2 (gap junction protein gamma 2; plus strand). Cytogenetic location: 1q42.13.
Variant type: single nucleotide variant.
Coding change: c.338C>T on transcript NM_020435.4 (MANE Select); coding-DNA position 338, C replaced by T.
Protein change: p.Ala113Val; replaces alanine 113 with valine.
Molecular consequence: missense variant.
Genome position (GRCh38, 1-based): chr1:228,158,096, C>T. VCF-style: chr1-228158096-C-T. GRCh37 (hg19) VCF-style: chr1-228345797-C-T.
Other names: short protein forms A113V.
Identifiers: ClinVar variation 2819225 (VCV002819225.3), dbSNP rs1437124522, ClinGen allele CA345097451.